The following is an entry in ClinVar:

ClinVar aggregate classification (germline): Uncertain significance (1 of 4 stars; one submission).

Allele frequency attached by ClinVar (database versions not stated): TOPMed below 0.00001; ExAC 0.00001; gnomAD 0.00001; gnomAD exomes 0.00001 and 0.00006.
gnomAD v4.1: 66 of 1,189,340 alleles (0.0055%); highest among the groups gnomAD compares: Non-Finnish European, 0.0073%; no homozygotes.

Submission:

CeGaT Center for Human Genetics Tuebingen
Classification: Uncertain significance. Last evaluated: 2022-07-01. Review status: criteria provided, single submitter. Criteria: CeGaT Center For Human Genetics Tuebingen Variant Classification Criteria Version 2. Collection method: clinical testing. Allele origin: germline. Affected: yes. Observed: 1 variant allele.
Comment: ALG13: PM2

NM_001099922.3(ALG13):c.2974-5T>C

Gene: ALG13 (ALG13 UDP-N-acetylglucosaminyltransferase subunit; plus strand). Cytogenetic location: Xq23.
Variant type: single nucleotide variant.
Coding change: c.2974-5T>C on transcript NM_001099922.3 (MANE Select); 5 bases into the intron before coding-DNA position 2974, T replaced by C.
Molecular consequence: intron variant.
Genome position (GRCh38, 1-based): chrX:111,757,583, T>C. VCF-style: chrX-111757583-T-C. GRCh37 (hg19) VCF-style: chrX-111000811-T-C.
Other names: c.2425-5T>C (NM_001257237.2, NM_001257234.2, NM_001257230.2); c.2251-5T>C (NM_001324293.1); c.2740-5T>C (NM_001257231.2); c.2737-5T>C (NM_001324292.2).
Identifiers: ClinVar variation 1701609 (VCV001701609.31), dbSNP rs776113182, ClinGen allele CA10494025.